The following is an entry in ClinVar:

ClinVar aggregate classification (germline): Uncertain significance. Review status: criteria provided, multiple submitters, no conflicts (2 of 4 stars). 2 submissions from 2 submitters: Uncertain significance (2). Last evaluated 2026-01-24.

Conditions:
Inborn genetic diseases. Identifiers: MedGen C0950123, MeSH D030342.

Allele frequency attached by ClinVar (database versions not stated): TOPMed below 0.00001; gnomAD 0.00001.
gnomAD v4.1: 8 of 1,604,154 alleles (0.0005%); highest among the groups gnomAD compares: East Asian, 0.018%; no homozygotes.

Submissions (2):

Labcorp Genetics (formerly Invitae), Labcorp
Classification: Uncertain significance. Last evaluated: 2026-01-24. Review status: criteria provided, single submitter. Criteria: Invitae Variant Classification Sherloc (09022015). Collection method: clinical testing. Allele origin: germline.
Comment: This sequence change replaces histidine, which is basic and polar, with tyrosine, which is neutral and polar, at codon 854 of the LTBP4 protein (p.His854Tyr). The frequency data for this variant in the population databases is considered unreliable, as metrics indicate poor data quality at this position in the gnomAD database. This variant has not been reported in the literature in individuals affected with LTBP4-related conditions. ClinVar contains an entry for this variant (Variation ID: 2981791). Experimental studies and prediction algorithms are not available or were not evaluated, and the functional significance of this variant is currently unknown. In summary, the available evidence is currently insufficient to determine the role of this variant in disease. Therefore, it has been classified as a Variant of Uncertain Significance.

Ambry Genetics
Classification: Uncertain significance for Inborn genetic diseases. Last evaluated: 2024-01-29. Review status: criteria provided, single submitter. Criteria: Ambry Variant Classification Scheme 2023. Collection method: clinical testing. Allele origin: germline.

NM_001042545.2(LTBP4):c.2470C>T (p.His824Tyr)

Gene: LTBP4 (latent transforming growth factor beta binding protein 4; plus strand). Cytogenetic location: 19q13.2.
Variant type: single nucleotide variant.
Coding change: c.2470C>T on transcript NM_001042545.2 (MANE Select); coding-DNA position 2470, C replaced by T.
Protein change: p.His824Tyr; replaces histidine 824 with tyrosine.
Molecular consequence: missense variant.
Genome position (GRCh38, 1-based): chr19:40,613,442, C>T. VCF-style: chr19-40613442-C-T. GRCh37 (hg19) VCF-style: chr19-41119348-C-T.
Other names: c.2671C>T, p.His891Tyr (NM_001042544.1); c.2560C>T, p.His854Tyr (NM_003573.2); short protein forms H854Y, H824Y, H891Y.
Identifiers: ClinVar variation 2981791 (VCV002981791.3), dbSNP rs1485556135, ClinGen allele CA405939304.
Genomic context (GRCh38, chr19:40,613,442, plus strand): 5'-CCCAATCTCCCGCGTACCCTAGACGTGAACGAGTGCCTGGAGGGCGATTTCTGCTTCCCT[C>T]ACGGCGAGTGCCTCAACACTGACGGCTCCTTTGCCTGTACTTGTGCCCCTGGCTACCGAC-3'
Protein context (NP_001036010.1, residues 814-834): ECLEGDFCFP[His824Tyr]GECLNTDGSF